The following is an entry in ClinVar:

ClinVar aggregate classification (germline): Likely benign (0 of 4 stars; one submission).

Conditions:
CMIP-related disorder. Also called: CMIP-related condition.

Allele frequency attached by ClinVar (database versions not stated): ExAC 0.00011; ESP Exome Variant Server 0.00017; gnomAD 0.00030; 1000 Genomes Project 0.00060; 1000 Genomes Project 30x 0.00094.

Submission:

PreventionGenetics, part of Exact Sciences
Classification: Likely benign for CMIP-related condition. Last evaluated: 2019-08-07. Review status: no assertion criteria provided. Collection method: clinical testing. Allele origin: germline.
Comment: This variant is classified as likely benign based on ACMG/AMP sequence variant interpretation guidelines (Richards et al. 2015 PMID: 25741868, with internal and published modifications).

NM_198390.3(CMIP):c.966G>T (p.Arg322=)

Gene: CMIP (c-Maf inducing protein; plus strand). Cytogenetic location: 16q23.3.
Variant type: single nucleotide variant.
Coding change: c.966G>T on transcript NM_198390.3 (MANE Select); coding-DNA position 966, G replaced by T.
Protein change: p.Arg322=; no amino-acid change (arginine 322 retained).
Molecular consequence: synonymous variant.
Genome position (GRCh38, 1-based): chr16:81,672,002, G>T. VCF-style: chr16-81672002-G-T. GRCh37 (hg19) VCF-style: chr16-81705607-G-T.
Other names: c.684G>T, p.Arg228= (NM_030629.3).
Identifiers: ClinVar variation 3035788 (VCV003035788.2), dbSNP rs376811403, ClinGen allele CA8192291.